The following is an entry in ClinVar:

NM_053013.4(ENO3):c.908C>T (p.Thr303Ile)

Gene: ENO3 (enolase 3; plus strand). Cytogenetic location: 17p13.2.
Variant type: single nucleotide variant.
Coding change: c.908C>T on transcript NM_053013.4 (MANE Select); coding-DNA position 908, C replaced by T.
Protein change: p.Thr303Ile; replaces threonine 303 with isoleucine.
Molecular consequence: missense variant.
Genome position (GRCh38, 1-based): chr17:4,955,984, C>T. VCF-style: chr17-4955984-C-T. GRCh37 (hg19) VCF-style: chr17-4859279-C-T.
Other names: c.779C>T, p.Thr260Ile (NM_001193503.2); c.908C>T, p.Thr303Ile (NM_001374523.1, NM_001976.5); c.935C>T, p.Thr312Ile (NM_001374524.1); short protein forms T260I, T312I, T303I.
Identifiers: ClinVar variation 1408271 (VCV001408271.3), dbSNP rs772062073, ClinGen allele CA287176913.

ClinVar aggregate classification (germline): Uncertain significance (1 of 4 stars; one submission).

Conditions:
Glycogen storage disease due to muscle beta-enolase deficiency (GSD13). Also called: Glycogen Storage Disease Type XIII; ENOLASE 3 DEFICIENCY; ENOLASE-BETA DEFICIENCY; GSD XIII. Identifiers: Orphanet 99849, MedGen C2752027, MONDO:0013046, OMIM 612932.

Allele frequency attached by ClinVar (database versions not stated): TOPMed below 0.00001; gnomAD 0.00001; gnomAD exomes 0.00001 and 0.00002.

Submission:

Labcorp Genetics (formerly Invitae), Labcorp
Classification: Uncertain significance for Glycogen storage disease due to muscle beta-enolase deficiency. Last evaluated: 2021-12-15. Review status: criteria provided, single submitter. Criteria: Invitae Variant Classification Sherloc (09022015). Collection method: clinical testing. Allele origin: germline.
Comment: This sequence change replaces threonine, which is neutral and polar, with isoleucine, which is neutral and non-polar, at codon 303 of the ENO3 protein (p.Thr303Ile). This variant is present in population databases (rs772062073, gnomAD 0.007%). This variant has not been reported in the literature in individuals affected with ENO3-related conditions. Algorithms developed to predict the effect of missense changes on protein structure and function are either unavailable or do not agree on the potential impact of this missense change (SIFT: "Deleterious"; PolyPhen-2: "Benign"; Align-GVGD: "Class C0"). In summary, the available evidence is currently insufficient to determine the role of this variant in disease. Therefore, it has been classified as a Variant of Uncertain Significance.